The following is an entry in ClinVar:

ClinVar aggregate classification (germline): Benign (0 of 4 stars; one submission).

Conditions:
BRWD1-related disorder. Also called: BRWD1-related condition.

Allele frequency attached by ClinVar (database versions not stated): TOPMed 0.00007; gnomAD 0.00009; 1000 Genomes Project 0.00020; ExAC 0.00023; 1000 Genomes Project 30x 0.00031.
gnomAD v4.1: 46 of 1,599,764 alleles (0.0029%); highest among the groups gnomAD compares: East Asian, 0.1%; no homozygotes.

Submission:

PreventionGenetics, part of Exact Sciences
Classification: Benign for BRWD1-related condition. Last evaluated: 2019-04-16. Review status: no assertion criteria provided. Collection method: clinical testing. Allele origin: germline.
Comment: This variant is classified as benign based on ACMG/AMP sequence variant interpretation guidelines (Richards et al. 2015 PMID: 25741868, with internal and published modifications).

NM_033656.4(BRWD1):c.216T>C (p.His72=)

Gene: BRWD1 (bromodomain and WD repeat domain containing 1; minus strand). Cytogenetic location: 21q22.2.
Variant type: single nucleotide variant.
Coding change: c.216T>C on transcript NM_033656.4 (MANE Select); coding-DNA position 216, T replaced by C.
Protein change: p.His72=; no amino-acid change (histidine 72 retained).
Molecular consequence: synonymous variant.
Genome position (GRCh38, 1-based): chr21:39,298,565, A>G on the plus strand (T>C on the coding strand, the complement: BRWD1 is on the minus strand). VCF-style: chr21-39298565-A-G. GRCh37 (hg19) VCF-style: chr21-40670491-A-G.
Other names: c.216T>C, p.His72= (NM_001007246.3, NM_018963.5).
Identifiers: ClinVar variation 3059286 (VCV003059286.2), dbSNP rs201946650, ClinGen allele CA10027789.
Genomic context (GRCh38, chr21:39,298,565, plus strand): 5'-TTCTTTATCCAACATAGGACCGATGCGCTGGCAGATTTGCAAAAGATGATCAGGAGCCAC[A>G]TGCTTATTGGACAAGACCTAGTTGGAGAGCAAGTTTTAATGACAACAGCTTAATAATATC-3'
Protein context (NP_387505.1, residues 62-82): SYEELVLSNK[His72=]VAPDHLLQIC